The following is an entry in ClinVar:

NM_001098816.3(TENM4):c.6745G>A (p.Gly2249Ser)

Gene: TENM4 (teneurin transmembrane protein 4; minus strand). Cytogenetic location: 11q14.1.
Variant type: single nucleotide variant.
Coding change: c.6745G>A on transcript NM_001098816.3 (MANE Select); coding-DNA position 6745, G replaced by A.
Protein change: p.Gly2249Ser; replaces glycine 2249 with serine.
Molecular consequence: missense variant.
Genome position (GRCh38, 1-based): chr11:78,669,600, C>T on the plus strand (G>A on the coding strand, the complement: TENM4 is on the minus strand). VCF-style: chr11-78669600-C-T. GRCh37 (hg19) VCF-style: chr11-78380645-C-T.
Other names: c.6745G>A (NM_001098816.2); short protein forms G2249S.
Identifiers: ClinVar variation 3025129 (VCV003025129.23), dbSNP rs186319631, ClinGen allele CA6206350.

ClinVar aggregate classification (germline): Uncertain significance. Review status: criteria provided, multiple submitters, no conflicts (2 of 4 stars). 3 submissions from 3 submitters: Uncertain significance (3). Last evaluated 2025-05-18.

Conditions:
TENM4-related disorder. Also called: TENM4-related condition.

Allele frequency attached by ClinVar (database versions not stated): gnomAD 0.00003; TOPMed 0.00005; ExAC 0.00011; gnomAD exomes 0.00011; 1000 Genomes Project 30x 0.00016; 1000 Genomes Project 0.00020; ESP Exome Variant Server 0.00023.
gnomAD v4.1: 162 of 1,613,942 alleles (0.01%); highest among the groups gnomAD compares: Non-Finnish European, 0.013%; no homozygotes.

Submissions (3):

Ambry Genetics
Classification: Uncertain significance. Last evaluated: 2025-05-18. Review status: criteria provided, single submitter. Criteria: Ambry Variant Classification Scheme 2023. Collection method: clinical testing. Allele origin: germline.

PreventionGenetics, part of Exact Sciences
Classification: Uncertain significance for TENM4-related condition. Last evaluated: 2024-11-30. Review status: criteria provided, single submitter. Criteria: ACMG Guidelines, 2015. Collection method: clinical testing. Allele origin: germline.
Comment: The TENM4 c.6745G>A variant is predicted to result in the amino acid substitution p.Gly2249Ser. To our knowledge, this variant has not been reported in the literature. This variant is reported in 0.021% of alleles in individuals of European (non-Finnish) descent in gnomAD. At this time, the clinical significance of this variant is uncertain due to the absence of conclusive functional and genetic evidence.

CeGaT Center for Human Genetics Tuebingen
Classification: Uncertain significance. Last evaluated: 2024-02-01. Review status: criteria provided, single submitter. Criteria: CeGaT Center For Human Genetics Tuebingen Variant Classification Criteria Version 2. Collection method: clinical testing. Allele origin: germline. Affected: yes. Observed: 1 variant allele.
Comment: TENM4: PP3